The following is an entry in ClinVar:

NM_020693.4(DSCAML1):c.2672C>T (p.Pro891Leu)

Gene: DSCAML1 (DS cell adhesion molecule like 1; minus strand). Cytogenetic location: 11q23.3.
Variant type: single nucleotide variant.
Coding change: c.2672C>T on transcript NM_020693.4 (MANE Select); coding-DNA position 2672, C replaced by T.
Protein change: p.Pro891Leu; replaces proline 891 with leucine.
Molecular consequence: missense variant.
Genome position (GRCh38, 1-based): chr11:117,480,556, G>A on the plus strand (C>T on the coding strand, the complement: DSCAML1 is on the minus strand). VCF-style: chr11-117480556-G-A. GRCh37 (hg19) VCF-style: chr11-117351271-G-A.
Other names: c.2672C>T, p.Pro891Leu (NM_001367904.1); short protein forms P891L.
Identifiers: ClinVar variation 2116653 (VCV002116653.4), dbSNP rs2543161099, ClinGen allele CA382747091.

ClinVar aggregate classification (germline): Uncertain significance (1 of 4 stars; one submission).

Allele frequency attached by ClinVar (database versions not stated): gnomAD exomes below 0.00001.
gnomAD v4.1: 1 of 1,563,616 alleles (0.000064%); highest among the groups gnomAD compares: Non-Finnish European, 0.000087%; no homozygotes.

Submission:

Labcorp Genetics (formerly Invitae), Labcorp
Classification: Uncertain significance. Last evaluated: 2022-10-16. Review status: criteria provided, single submitter. Criteria: Invitae Variant Classification Sherloc (09022015). Collection method: clinical testing. Allele origin: germline.
Comment: This sequence change replaces proline, which is neutral and non-polar, with leucine, which is neutral and non-polar, at codon 951 of the DSCAML1 protein (p.Pro951Leu). This variant is not present in population databases (gnomAD no frequency). This variant has not been reported in the literature in individuals affected with DSCAML1-related conditions. Algorithms developed to predict the effect of missense changes on protein structure and function (SIFT, PolyPhen-2, Align-GVGD) all suggest that this variant is likely to be disruptive. In summary, the available evidence is currently insufficient to determine the role of this variant in disease. Therefore, it has been classified as a Variant of Uncertain Significance.